The following is an entry in ClinVar:

NM_033380.3(COL4A5):c.3393_3419del (p.Pro1132_Gly1140del)

Gene: COL4A5 (collagen type IV alpha 5 chain; plus strand). Cytogenetic location: Xq22.3.
Variant type: Deletion.
Coding change: c.3393_3419del on transcript NM_033380.3 (MANE Select); coding-DNA positions 3393 to 3419, 27 bases deleted (ACCAAAAGGTATTAGTGGCCCTCCTGG).
Protein change: p.Pro1132_Gly1140del.
Molecular consequence: inframe deletion.
Genome position (GRCh38, 1-based): chrX:108,665,526-108,665,552, ACCAAAAGGTATTAGTGGCCCTCCTGG deleted; deleting any 27 consecutive bases within chrX:108,665,515-108,665,552 gives the same sequence; the c. name uses the placement nearest the transcript's 3' end. VCF-style (leftmost placement, unchanged base first): chrX-108665514-AGGCCCTCCTGGACCAAAAGGTATTAGT-A. GRCh37 (hg19) VCF-style: chrX-107908744-AGGCCCTCCTGGACCAAAAGGTATTAGT-A.
Other names: c.3393_3419del, p.Pro1132_Gly1140del (NM_000495.5).
Identifiers: ClinVar variation 2027621 (VCV002027621.5), dbSNP rs2524562354, ClinGen allele CA2580100180.
Genomic context (GRCh38, chrX:108,665,514, plus strand): 5'-TCTTAAAGCAATGCAGTTTTTCTTTCATTTTTAAATTGAGCTCTTTACTCTAGGAACCCC[AGGCCCTCCTGGACCAAAAGGTATTAGT>A]GGCCCTCCTGGGAACCCCGGCCTTCCAGGAGAACCTGGTCCTGTAGGTAAGCATGAAAAA-3'

ClinVar aggregate classification (germline): Pathogenic/Likely pathogenic. Review status: criteria provided, multiple submitters, no conflicts (2 of 4 stars). 2 submissions from 2 submitters: Pathogenic (1); Likely pathogenic (1). Last evaluated 2023-02-23.

Conditions:
X-linked Alport syndrome (ATS1). Also called: COL4A5-Related Nephropathy; NEPHROPATHY AND DEAFNESS, X-LINKED. Identifiers: Orphanet 63, Orphanet 88917, MedGen C4746986, MONDO:0010520, OMIM 301050.

Submissions (2):

3billion
Classification: Likely pathogenic for X-linked Alport syndrome. Last evaluated: 2023-02-23. Review status: criteria provided, single submitter. Criteria: ACMG Guidelines, 2015. Collection method: clinical testing. Allele origin: unknown. Affected: yes.
Comment: The variant is not observed in the gnomAD v2.1.1 dataset. The variant is located in a mutational hot spot and/or well-established functional domain in which established pathogenic variants have been reported. Inframe deletion located in a nonrepeat region is predicted to change the length of the protein and disrupt normal protein function. Therefore, this variant is classified as Likely pathogenic according to the recommendation of ACMG/AMP guideline.

Labcorp Genetics (formerly Invitae), Labcorp
Classification: Pathogenic. Last evaluated: 2022-11-04. Review status: criteria provided, single submitter. Criteria: Invitae Variant Classification Sherloc (09022015). Collection method: clinical testing. Allele origin: germline.
Comment: For these reasons, this variant has been classified as Pathogenic. This variant disrupts a region of the COL4A5 protein in which other variant(s) (p.Gly1134Ser) have been determined to be pathogenic (Invitae). This suggests that this is a clinically significant region of the protein, and that variants that disrupt it are likely to be disease-causing. This variant disrupts the triple helix domain of COL4A5. Glycine residues within the Gly-Xaa-Yaa repeats of the triple helix domain are required for the structure and stability of fibrillar collagens (PMID: 7695699, 8218237, 19344236). In COL4A5, missense variants at these glycine residues are significantly enriched in individuals with disease (PMID: 23720012, 27627812) compared to the general population (ExAC). This variant has been observed in individual(s) with clinical features of Alport syndrome (Invitae). This variant is not present in population databases (gnomAD no frequency). This variant, c.3393_3419del, results in the deletion of 9 amino acid(s) of the COL4A5 protein (p.Pro1132_Gly1140del), but otherwise preserves the integrity of the reading frame.

Literature cited by the submitters: PubMed 7695699 (cited by Labcorp Genetics (formerly Invitae), Labcorp); PubMed 8218237 (cited by Labcorp Genetics (formerly Invitae), Labcorp); PubMed 19344236 (cited by Labcorp Genetics (formerly Invitae), Labcorp); PubMed 23720012 (cited by Labcorp Genetics (formerly Invitae), Labcorp); PubMed 27627812 (cited by Labcorp Genetics (formerly Invitae), Labcorp).